The following is an entry in ClinVar:

NM_000061.3(BTK):c.336C>A (p.Tyr112Ter)

Gene: BTK (Bruton tyrosine kinase; minus strand). Cytogenetic location: Xq22.1.
Variant type: single nucleotide variant.
Coding change: c.336C>A on transcript NM_000061.3 (MANE Select); coding-DNA position 336, C replaced by A.
Protein change: p.Tyr112Ter; replaces tyrosine 112 with a stop codon.
Molecular consequence: nonsense.
Genome position (GRCh38, 1-based): chrX:101,370,053, G>T on the plus strand (C>A on the coding strand, the complement: BTK is on the minus strand). VCF-style: chrX-101370053-G-T. GRCh37 (hg19) VCF-style: chrX-100625041-G-T.
Other names: c.438C>A, p.Tyr146Ter (NM_001287344.2); c.336C>A, p.Tyr112Ter (NM_001287345.2); short protein forms Y146*, Y112*.
Identifiers: ClinVar variation 1356999 (VCV001356999.6), dbSNP rs1409835623, ClinGen allele CA413937218.

ClinVar aggregate classification (germline): Pathogenic (1 of 4 stars; one submission).

Conditions:
X-linked agammaglobulinemia with growth hormone deficiency (IGHD3). Also called: FLEISHER SYNDROME; HYPOGAMMAGLOBULINEMIA AND ISOLATED GROWTH HORMONE DEFICIENCY, X-LINKED; IGHD III; ISOLATED GROWTH HORMONE DEFICIENCY, TYPE III, WITH AGAMMAGLOBULINEMIA; AGAMMAGLOBULINEMIA AND ISOLATED GROWTH HORMONE DEFICIENCY, X-LINKED; Isolated growth hormone deficiency type 3. Identifiers: Orphanet 231692, Orphanet 631, MedGen C0472813, MONDO:0010615, OMIM 307200.

Submission:

Labcorp Genetics (formerly Invitae), Labcorp
Classification: Pathogenic for X-linked agammaglobulinemia with growth hormone deficiency. Last evaluated: 2025-05-22. Review status: criteria provided, single submitter. Criteria: Invitae Variant Classification Sherloc (09022015). Collection method: clinical testing. Allele origin: germline.
Comment: This sequence change creates a premature translational stop signal (p.Tyr112*) in the BTK gene. It is expected to result in an absent or disrupted protein product. Loss-of-function variants in BTK are known to be pathogenic (PMID: 15661032, 16862044, 19419768). This variant is not present in population databases (gnomAD no frequency). This premature translational stop signal has been observed in individual(s) with clinical features of BTK-related conditions (PMID: 9545398). ClinVar contains an entry for this variant (Variation ID: 1356999). For these reasons, this variant has been classified as Pathogenic.

Literature cited by the submitters: PubMed 15661032; PubMed 16862044; PubMed 19419768; PubMed 9545398.